The following is an entry in ClinVar:

NM_001256789.3(CACNA1F):c.5584C>G (p.Arg1862Gly)

Gene: CACNA1F (calcium voltage-gated channel subunit alpha1 F; minus strand). Cytogenetic location: Xp11.23.
Variant type: single nucleotide variant.
Coding change: c.5584C>G on transcript NM_001256789.3 (MANE Select); coding-DNA position 5584, C replaced by G.
Protein change: p.Arg1862Gly; replaces arginine 1862 with glycine.
Molecular consequence: missense variant.
Genome position (GRCh38, 1-based): chrX:49,205,702, G>C on the plus strand (C>G on the coding strand, the complement: CACNA1F is on the minus strand). VCF-style: chrX-49205702-G-C. GRCh37 (hg19) VCF-style: chrX-49062162-G-C.
Other names: c.5422C>G, p.Arg1808Gly (NM_001256790.3); c.5617C>G, p.Arg1873Gly (NM_005183.4); short protein forms R1808G, R1862G, R1873G.
Identifiers: ClinVar variation 1502276 (VCV001502276.8), dbSNP rs781892194, ClinGen allele CA412957098.

ClinVar aggregate classification (germline): Uncertain significance (1 of 4 stars; one submission).

gnomAD v4.1: 1 of 1,204,646 alleles (0.000083%); highest among the groups gnomAD compares: Non-Finnish European, 0.00011%; no homozygotes.

Submission:

Labcorp Genetics (formerly Invitae), Labcorp
Classification: Uncertain significance. Last evaluated: 2020-12-01. Review status: criteria provided, single submitter. Criteria: Invitae Variant Classification Sherloc (09022015). Collection method: clinical testing. Allele origin: germline.
Comment: In summary, the available evidence is currently insufficient to determine the role of this variant in disease. Therefore, it has been classified as a Variant of Uncertain Significance. Algorithms developed to predict the effect of missense changes on protein structure and function (SIFT, PolyPhen-2, Align-GVGD) all suggest that this variant is likely to be tolerated, but these predictions have not been confirmed by published functional studies and their clinical significance is uncertain. This variant has not been reported in the literature in individuals with CACNA1F-related conditions. This variant is not present in population databases (ExAC no frequency). This sequence change replaces arginine with glycine at codon 1873 of the CACNA1F protein (p.Arg1873Gly). The arginine residue is moderately conserved and there is a moderate physicochemical difference between arginine and glycine.